The following is an entry in ClinVar:

ClinVar aggregate classification (germline): Uncertain significance. Review status: criteria provided, multiple submitters, no conflicts (2 of 4 stars). 2 submissions from 2 submitters: Uncertain significance (2). Last evaluated 2026-08-07.

Conditions:
Hereditary cancer-predisposing syndrome. Also called: Hereditary Cancer Syndrome; Tumor predisposition; Neoplastic Syndromes, Hereditary; Hereditary neoplastic syndrome. Identifiers: Orphanet 140162, MedGen C0027672, MeSH D009386, MONDO:0015356.
Hereditary nonpolyposis colorectal neoplasms. Identifiers: MedGen C0009405, MeSH D003123.

Submissions (2):

Ambry Genetics
Classification: Uncertain significance for Hereditary cancer-predisposing syndrome. Last evaluated: 2026-08-07. Review status: criteria provided, single submitter. Criteria: Ambry Variant Classification Scheme 2023. Collection method: clinical testing. Allele origin: germline.
Comment: The c.4002-22_4002-4del19 intronic variant, located in intron 9 of the MSH6 gene, results from a deletion of 19 nucleotides within intron 9 of the MSH6 gene. This variant has been identified in a proband whose Lynch syndrome-associated tumor demonstrated high microsatellite instability and loss of MMR protein(s) expression by immunohistochemistry (J&oacute;ri B et al. Oncotarget, 2015 Dec;6:41108-22). This nucleotide region is well conserved in available vertebrate species. In silico splice site analysis predicts that this alteration will weaken the native splice acceptor site; however, direct evidence is insufficient at this time (Ambry internal data). Based on the available evidence, the clinical significance of this variant remains unclear.

Labcorp Genetics (formerly Invitae), Labcorp
Classification: Uncertain significance for Hereditary nonpolyposis colorectal neoplasms. Last evaluated: 2022-07-25. Review status: criteria provided, single submitter. Criteria: Invitae Variant Classification Sherloc (09022015). Collection method: clinical testing. Allele origin: germline.
Comment: In summary, the available evidence is currently insufficient to determine the role of this variant in disease. Therefore, it has been classified as a Variant of Uncertain Significance. Algorithms developed to predict the effect of sequence changes on RNA splicing suggest that this variant may disrupt the consensus splice site. ClinVar contains an entry for this variant (Variation ID: 1478062). This variant has been observed in individual(s) with colorectal and endometrial cancer (PMID: 26517685). This variant is not present in population databases (gnomAD no frequency). This sequence change falls in intron 9 of the MSH6 gene. It does not directly change the encoded amino acid sequence of the MSH6 protein.

Literature cited by the submitters: PubMed 26517685 (cited by Ambry Genetics and Labcorp Genetics (formerly Invitae), Labcorp).

NM_000179.3(MSH6):c.4002-22_4002-4del

Gene: MSH6 (mutS homolog 6; plus strand). Cytogenetic location: 2p16.3.
Variant type: Deletion.
Coding change: c.4002-22_4002-4del on transcript NM_000179.3 (MANE Select); 22 bases into the intron before coding-DNA position 4002 through 4 bases into the intron before coding-DNA position 4002, 19 bases deleted (TTTTTTTTTTTTTAATTTT).
Molecular consequence: intron variant.
Genome position (GRCh38, 1-based): chr2:47,806,757-47,806,775, TTTTTTTTTTTTTAATTTT deleted; deleting any 19 consecutive bases within chr2:47,806,753-47,806,775 gives the same sequence; the c. name uses the placement nearest the transcript's 3' end. VCF-style (leftmost placement, unchanged base first): chr2-47806752-TTTTTTTTTTTTTTTTTTAA-T. GRCh37 (hg19) VCF-style: chr2-48033891-TTTTTTTTTTTTTTTTTTAA-T.
Other names: c.4002-22_4002-4del19 (NM_000179.2); c.3096-22_3096-4del (NM_001281493.2, NM_001281494.2); c.3612-22_3612-4del (NM_001281492.2).
Identifiers: ClinVar variation 1478062 (VCV001478062.9), dbSNP rs587779310, ClinGen allele CA330592.